The following is an entry in ClinVar:

ClinVar aggregate classification (germline): Likely pathogenic (1 of 4 stars; one submission).

Conditions:
Developmental and epileptic encephalopathy, 2 (DEE2). Also called: INFANTILE SPASM SYNDROME, X-LINKED 2; CDKL5 deficiency disorder. Identifiers: Orphanet 1934, Orphanet 3451, Orphanet 505652, MedGen C4750718, MONDO:0010396, OMIM 300672.
Angelman syndrome-like. Identifiers: MedGen CN128785.

Submission:

Labcorp Genetics (formerly Invitae), Labcorp
Classification: Likely pathogenic for Developmental and epileptic encephalopathy, 2; Angelman syndrome-like. Last evaluated: 2020-04-01. Review status: criteria provided, single submitter. Criteria: Invitae Variant Classification Sherloc (09022015). Collection method: clinical testing. Allele origin: germline.
Comment: In summary, the currently available evidence indicates that the variant is pathogenic, but additional data are needed to prove that conclusively. Therefore, this variant has been classified as Likely Pathogenic. Algorithms developed to predict the effect of missense changes on protein structure and function are either unavailable or do not agree on the potential impact of this missense change (SIFT: "Deleterious"; PolyPhen-2: "Probably Damaging"; Align-GVGD: "Class C0"). This variant has been observed in individual(s) with clinical features of CDKL5-related conditions (Invitae). In at least one individual the variant was observed to be de novo. This variant is not present in population databases (ExAC no frequency). This sequence change replaces asparagine with lysine at codon 140 of the CDKL5 protein (p.Asn140Lys). The asparagine residue is highly conserved and there is a moderate physicochemical difference between asparagine and lysine.

NM_001323289.2(CDKL5):c.420T>A (p.Asn140Lys)

Gene: CDKL5 (cyclin dependent kinase like 5; plus strand). Cytogenetic location: Xp22.13.
Variant type: single nucleotide variant.
Coding change: c.420T>A on transcript NM_001323289.2 (MANE Select); coding-DNA position 420, T replaced by A.
Protein change: p.Asn140Lys; replaces asparagine 140 with lysine.
Molecular consequence: missense variant.
Genome position (GRCh38, 1-based): chrX:18,581,907, T>A. VCF-style: chrX-18581907-T-A. GRCh37 (hg19) VCF-style: chrX-18600027-T-A.
Other names: c.420T>A, p.Asn140Lys (NM_001037343.2, NM_003159.3); short protein forms N140K.
Identifiers: ClinVar variation 853249 (VCV000853249.10), dbSNP rs1925492808, ClinGen allele CA412350803.